The following is an entry in ClinVar:

ClinVar aggregate classification (germline): Likely benign (1 of 4 stars; one submission).

Allele frequency attached by ClinVar (database versions not stated): 1000 Genomes Project 0.00080; 1000 Genomes Project 30x 0.00094; ExAC 0.00098; ESP Exome Variant Server 0.00100; gnomAD 0.00135; TOPMed 0.00183.
gnomAD v4.1: 1,823 of 1,613,866 alleles (0.11%); highest among the groups gnomAD compares: Admixed American, 0.24%; no homozygotes.

Submission:

CeGaT Center for Human Genetics Tuebingen
Classification: Likely benign. Last evaluated: 2024-02-01. Review status: criteria provided, single submitter. Criteria: CeGaT Center For Human Genetics Tuebingen Variant Classification Criteria Version 2. Collection method: clinical testing. Allele origin: germline. Affected: yes. Observed: 1 variant allele.
Comment: PRMT9: BP4, BP7

NM_138364.4(PRMT9):c.702G>A (p.Thr234=)

Gene: PRMT9 (protein arginine methyltransferase 9; minus strand). Cytogenetic location: 4q31.23.
Variant type: single nucleotide variant.
Coding change: c.702G>A on transcript NM_138364.4 (MANE Select); coding-DNA position 702, G replaced by A.
Protein change: p.Thr234=; no amino-acid change (threonine 234 retained).
Molecular consequence: synonymous variant. On other transcripts: 5 prime UTR variant (3).
Genome position (GRCh38, 1-based): chr4:147,673,000, C>T on the plus strand (G>A on the coding strand, the complement: PRMT9 is on the minus strand). VCF-style: chr4-147673000-C-T. GRCh37 (hg19) VCF-style: chr4-148594151-C-T.
Other names: c.363G>A, p.Thr121= (NM_001304458.2, NM_001350142.2); c.-713G>A (NM_001350141.2); c.-179G>A (NM_001350143.2); c.-518G>A (NM_001350144.2).
Identifiers: ClinVar variation 3025125 (VCV003025125.22), dbSNP rs145578256, ClinGen allele CA3098783.
Genomic context (GRCh38, chr4:147,673,000, plus strand): 5'-TTAGTTTACATGATAATACCTTTCGGGAATATGTTTTGGAATCTCTATGTCAAGTGACTT[C>T]GTATGTAAGAGTTTGATCCCTGCTTCCATCTTGTTTGCTGCCACGACATCACAGGCAAGT-3'
Protein context (NP_612373.2, residues 224-244): KMEAGIKLLH[Thr234=]KSLDIEIPKH